The following is an entry in ClinVar:

NM_000528.4(MAN2B1):c.776A>G (p.Asn259Ser)

Gene: MAN2B1 (mannosidase alpha class 2B member 1; minus strand). Cytogenetic location: 19p13.13.
Variant type: single nucleotide variant.
Coding change: c.776A>G on transcript NM_000528.4 (MANE Select); coding-DNA position 776, A replaced by G.
Protein change: p.Asn259Ser; replaces asparagine 259 with serine.
Molecular consequence: missense variant.
Genome position (GRCh38, 1-based): chr19:12,663,450, T>C on the plus strand (A>G on the coding strand, the complement: MAN2B1 is on the minus strand). VCF-style: chr19-12663450-T-C. GRCh37 (hg19) VCF-style: chr19-12774264-T-C.
Other names: c.776A>G, p.Asn259Ser (NM_001173498.2); short protein forms N259S.
Identifiers: ClinVar variation 2143594 (VCV002143594.1), dbSNP rs768516728, ClinGen allele CA9226703.

ClinVar aggregate classification (germline): Uncertain significance (1 of 4 stars; one submission).

Conditions:
Deficiency of alpha-mannosidase (MANSA). Also called: LYSOSOMAL ALPHA-D-MANNOSIDASE DEFICIENCY; Alpha-Mannosidosis; Mannosidosis, alpha-, types I and II. Identifiers: Orphanet 61, MedGen C0024748, MONDO:0009561, OMIM 248500.

Allele frequency attached by ClinVar (database versions not stated): TOPMed below 0.00001; gnomAD 0.00001; gnomAD exomes 0.00001; ExAC 0.00002.
gnomAD v4.1: 5 of 1,613,900 alleles (0.00031%); highest among the groups gnomAD compares: Admixed American, 0.0017%; no homozygotes.

Submission:

Labcorp Genetics (formerly Invitae), Labcorp
Classification: Uncertain significance for Deficiency of alpha-mannosidase. Last evaluated: 2022-08-03. Review status: criteria provided, single submitter. Criteria: Invitae Variant Classification Sherloc (09022015). Collection method: clinical testing. Allele origin: germline.
Comment: This sequence change replaces asparagine, which is neutral and polar, with serine, which is neutral and polar, at codon 259 of the MAN2B1 protein (p.Asn259Ser). This variant is present in population databases (rs768516728, gnomAD 0.003%). This variant has not been reported in the literature in individuals affected with MAN2B1-related conditions. Algorithms developed to predict the effect of missense changes on protein structure and function (SIFT, PolyPhen-2, Align-GVGD) all suggest that this variant is likely to be disruptive. Algorithms developed to predict the effect of sequence changes on RNA splicing suggest that this variant may create or strengthen a splice site. In summary, the available evidence is currently insufficient to determine the role of this variant in disease. Therefore, it has been classified as a Variant of Uncertain Significance.